The following is an entry in ClinVar:

NM_007294.4(BRCA1):c.1014A>G (p.Lys338=)

Gene: BRCA1 (BRCA1 DNA repair associated; minus strand). Cytogenetic location: 17q21.31.
Variant type: single nucleotide variant.
Coding change: c.1014A>G on transcript NM_007294.4 (MANE Select); coding-DNA position 1014, A replaced by G.
Protein change: p.Lys338=; no amino-acid change (lysine 338 retained).
Molecular consequence: synonymous variant. On other transcripts: intron variant (137).
Genome position (GRCh38, 1-based): chr17:43,094,517, T>C on the plus strand (A>G on the coding strand, the complement: BRCA1 is on the minus strand). VCF-style: chr17-43094517-T-C. GRCh37 (hg19) VCF-style: chr17-41246534-T-C.
Other names: c.804A>G, p.Lys268= (NM_001407906.1, NM_001407907.1, NM_001407908.1 and 13 more transcripts); c.801A>G, p.Lys267= (NM_001407915.1, NM_001407916.1, NM_001407917.1 and 9 more transcripts); c.891A>G, p.Lys297= (NM_001407919.1, NM_001407937.1, NM_001407938.1 and 19 more transcripts); c.750A>G, p.Lys250= (NM_001407920.1, NM_001407921.1, NM_001407922.1 and 9 more transcripts); c.747A>G, p.Lys249= (NM_001407930.1, NM_001407931.1, NM_001407932.1 and 2 more transcripts); c.888A>G, p.Lys296= (NM_001407940.1, NM_001407941.1, NM_001407649.1 and 11 more transcripts); c.873A>G, p.Lys291= (NM_001407942.1, NM_001407944.1, NM_001407945.1 and 29 more transcripts); c.870A>G, p.Lys290= (NM_001407943.1, NM_001407964.1, NM_001407740.1 and 20 more transcripts); and 40 more.
Identifiers: ClinVar variation 234010 (VCV000234010.9), dbSNP rs876660793, ClinGen allele CA10580684.

ClinVar aggregate classification (germline): Likely benign. Review status: reviewed by expert panel (3 of 4 stars). 3 submissions from 3 submitters: Likely benign (1). 2 of the submissions do not count toward it. Last evaluated 2017-06-29.

Conditions:
Breast-ovarian cancer, familial, susceptibility to, 1 (BROVCA1). Also called: BRCA1 Hereditary Breast and Ovarian Cancer; OVARIAN CANCER, SUSCEPTIBILITY TO. Identifiers: Orphanet 145, MedGen C2676676, MONDO:0011450, OMIM 604370. Disease mechanism: loss of function.
Hereditary cancer-predisposing syndrome. Also called: Tumor predisposition; Hereditary Cancer Syndrome; Neoplastic Syndromes, Hereditary; Hereditary neoplastic syndrome. Identifiers: Orphanet 140162, MedGen C0027672, MeSH D009386, MONDO:0015356.

Submissions (3):

Evidence-based Network for the Interpretation of Germline Mutant Alleles (ENIGMA)
Classification: Likely benign for Breast-ovarian cancer, familial, susceptibility to, 1. Last evaluated: 2017-06-29. Review status: reviewed by expert panel. Criteria: ENIGMA BRCA1/2 Classification Criteria (2017-06-29). Collection method: curation. Allele origin: germline.
Comment: Synonymous substitution variant, with low bioinformatic likelihood to result in a splicing aberration (Splicing prior probability 0.02).

Quest Diagnostics Nichols Institute San Juan Capistrano
Classification: Likely benign. Last evaluated: 2025-03-11. Review status: criteria provided, single submitter. Criteria: Quest Diagnostics criteria. Collection method: clinical testing. Allele origin: unknown. Not counted in ClinVar's aggregate classification.

Ambry Genetics
Classification: Likely benign for Hereditary cancer-predisposing syndrome. Last evaluated: 2015-09-09. Review status: criteria provided, single submitter. Criteria: Ambry Variant Classification Scheme 2023. Collection method: clinical testing. Allele origin: germline. Not counted in ClinVar's aggregate classification.

Literature cited by the submitters: PubMed 30702160 (cited by Quest Diagnostics Nichols Institute San Juan Capistrano); PubMed 32486089 (cited by Quest Diagnostics Nichols Institute San Juan Capistrano).